The following is an entry in ClinVar:

NM_004333.6(BRAF):c.2128-4_2129del

Gene: BRAF (B-Raf proto-oncogene, serine/threonine kinase; minus strand). Cytogenetic location: 7q34.
Variant type: Deletion.
Coding change: c.2128-4_2129del on transcript NM_004333.6 (MANE Select); 4 bases into the intron before coding-DNA position 2128 through coding-DNA position 2129, 6 bases deleted (GTAGAT; older notation c.2128-4_2129delGTAGAT).
Molecular consequence: splice acceptor variant. On other transcripts: intron variant (2).
Genome position (GRCh38, 1-based): chr7:140,734,769-140,734,774, ATCTAC deleted on the plus strand (GTAGAT on the coding strand, the reverse complement: BRAF is on the minus strand); deleting any 6 consecutive bases within chr7:140,734,769-140,734,775 gives the same sequence; the c. name uses the placement nearest the transcript's 3' end. VCF-style (leftmost placement, unchanged base first): chr7-140734768-AATCTAC-A. GRCh37 (hg19) VCF-style: chr7-140434568-AATCTAC-A.
Other names: c.2127+5038_2127+5043del (NM_001378474.1, NM_001378468.1); c.2026-4_2027del (NM_001378470.1); c.1864-4_1865del (NM_001378475.1); c.2017-4_2018del (NM_001378471.1); c.2128-4_2129del (NM_001354609.2); c.2248-4_2249del (NM_001374258.1, NM_001374244.1); c.2137-4_2138del (NM_001378467.1); c.1972-4_1973del (NM_001378472.1, NM_001378473.1); and 1 more.
Identifiers: ClinVar variation 430737 (VCV000430737.2), dbSNP rs1131692058, ClinGen allele CA645372452.

ClinVar aggregate classification (germline): Pathogenic (1 of 4 stars; one submission).

Conditions:
Hypertrophic cardiomyopathy 4. Also called: Familial hypertrophic cardiomyopathy 4. Identifiers: MedGen C1861862, MONDO:0007268, OMIM 115197.

Submission:

Institute Of Molecular Biology And Genetics, Federal Almazov National Medical Research Centre
Classification: Pathogenic for Hypertrophic cardiomyopathy 4. Last evaluated: 2016-02-10. Review status: criteria provided, single submitter. Criteria: ACMG Guidelines, 2015. Collection method: research. Allele origin: de novo. Inheritance: Autosomal dominant inheritance. Affected: yes. Observed: 1 variant allele, 1 homozygote.
Comment: Signs of LEOPARD syndrome were not detected. The mutation was confirmed to be de novo after parental investigation.